The following is an entry in ClinVar:

NM_004963.4(GUCY2C):c.2360A>G (p.Lys787Arg)

Gene: GUCY2C (guanylate cyclase 2C; minus strand). Cytogenetic location: 12p12.3.
Variant type: single nucleotide variant.
Coding change: c.2360A>G on transcript NM_004963.4 (MANE Select); coding-DNA position 2360, A replaced by G.
Protein change: p.Lys787Arg; replaces lysine 787 with arginine.
Molecular consequence: missense variant.
Genome position (GRCh38, 1-based): chr12:14,625,805, T>C on the plus strand (A>G on the coding strand, the complement: GUCY2C is on the minus strand). VCF-style: chr12-14625805-T-C. GRCh37 (hg19) VCF-style: chr12-14778739-T-C.
Other names: short protein forms K787R.
Identifiers: ClinVar variation 4527852 (VCV004527852.1).

ClinVar aggregate classification (germline): Uncertain significance (1 of 4 stars; one submission).

gnomAD v4.1: 1 of 1,614,072 alleles (0.000062%); highest among the groups gnomAD compares: Non-Finnish European, 0.000085%; no homozygotes.

Submission:

GeneDx
Classification: Uncertain significance. Last evaluated: 2025-04-29. Review status: criteria provided, single submitter. Criteria: GeneDx Variant Classification Process June 2021. Collection method: clinical testing. Allele origin: germline. Affected: yes.
Comment: Not observed at significant frequency in large population cohorts (gnomAD); In silico analysis indicates that this missense variant does not alter protein structure/function; Has not been previously published as pathogenic or benign to our knowledge